The following is an entry in ClinVar:

NM_032444.4(SLX4):c.2924C>A (p.Pro975Gln)

Gene: SLX4 (SLX4 structure-specific endonuclease subunit; minus strand). Cytogenetic location: 16p13.3.
Variant type: single nucleotide variant.
Coding change: c.2924C>A on transcript NM_032444.4 (MANE Select); coding-DNA position 2924, C replaced by A.
Protein change: p.Pro975Gln; replaces proline 975 with glutamine.
Molecular consequence: missense variant.
Genome position (GRCh38, 1-based): chr16:3,590,714, G>T on the plus strand (C>A on the coding strand, the complement: SLX4 is on the minus strand). VCF-style: chr16-3590714-G-T. GRCh37 (hg19) VCF-style: chr16-3640715-G-T.
Other names: short protein forms P975Q.
Identifiers: ClinVar variation 4883167 (VCV004883167.2).

ClinVar aggregate classification (germline): Uncertain significance (1 of 4 stars; one submission).

Submission:

Dasa
Classification: Uncertain significance. Last evaluated: 2025-02-18. Review status: criteria provided, single submitter. Criteria: DASA Assertion Criteria. Collection method: clinical testing. Allele origin: germline.
Comment: NM_032444.4(SLX4):c.2924C>A (p.Pro975Gln) is a missense variant that results in the substitution of proline with glutamine. This variant is absent from population databases. The currently available literature and clinical evidence are not sufficient to establish a definitive association between this variant and the reported condition. Therefore, this variant is classified as a variant of uncertain significance.